The following is an entry in ClinVar:

ClinVar aggregate classification (germline): Uncertain significance (1 of 4 stars; one submission).

Conditions:
TMEM38B-related disorder. Also called: TMEM38B-related condition.

gnomAD v4.1: 9 of 1,613,350 alleles (0.00056%); highest among the groups gnomAD compares: Non-Finnish European, 0.000085%; no homozygotes.

Submission:

PreventionGenetics, part of Exact Sciences
Classification: Uncertain significance for TMEM38B-related condition. Last evaluated: 2025-01-02. Review status: criteria provided, single submitter. Criteria: ACMG Guidelines, 2015. Collection method: clinical testing. Allele origin: germline.
Comment: The TMEM38B c.380T>C variant is predicted to result in the amino acid substitution p.Val127Ala. To our knowledge, this variant has not been reported in the literature. This variant is reported in 0.020% of alleles in individuals of Ashkenazi Jewish descent in gnomAD. At this time, the clinical significance of this variant is uncertain due to the absence of conclusive functional and genetic evidence.

NM_018112.3(TMEM38B):c.380T>C (p.Val127Ala)

Gene: TMEM38B (transmembrane protein 38B; plus strand). Cytogenetic location: 9q31.2.
Variant type: single nucleotide variant.
Coding change: c.380T>C on transcript NM_018112.3 (MANE Select); coding-DNA position 380, T replaced by C.
Protein change: p.Val127Ala; replaces valine 127 with alanine.
Molecular consequence: missense variant.
Genome position (GRCh38, 1-based): chr9:105,721,647, T>C. VCF-style: chr9-105721647-T-C. GRCh37 (hg19) VCF-style: chr9-108483928-T-C.
Other names: short protein forms V127A.
Identifiers: ClinVar variation 4982996 (VCV004982996.1).
Genomic context (GRCh38, chr9:105,721,647, plus strand): 5'-ATCTACCTGTTCAACTACTGGCTTCGGGAATGAAGGAAGTGACCAGAACTTGGAAAATAG[T>C]AGGTGGAGTCACACATGCTAATAGCTATTACAAAAATGGCTGGATAGTCATGATAGCTAT-3'
Protein context (NP_060582.1, residues 117-137): MKEVTRTWKI[Val127Ala]GGVTHANSYY